The following is an entry in ClinVar:

ClinVar aggregate classification (germline): Likely benign. Review status: criteria provided, multiple submitters, no conflicts (2 of 4 stars). 2 submissions from 2 submitters: Likely benign (2). Last evaluated 2022-09-13.

Conditions:
3-methylglutaconic aciduria, type VIIB (MGCA7B). Also called: 3-methylglutaconic aciduria, type VII, with cataracts, neurologic involvement and neutropenia; CLPB Deficiency; 3-methylglutaconic aciduria with cataracts, neurologic involvement and neutropenia. Identifiers: Orphanet 445038, MedGen C5676893, MONDO:0014561, OMIM 616271.

Submissions (2):

Labcorp Genetics (formerly Invitae), Labcorp
Classification: Likely benign for 3-methylglutaconic aciduria, type VIIB. Last evaluated: 2022-09-13. Review status: criteria provided, single submitter. Criteria: Invitae Variant Classification Sherloc (09022015). Collection method: clinical testing. Allele origin: germline.

GeneDx
Classification: Likely benign. Last evaluated: 2018-02-01. Review status: criteria provided, single submitter. Criteria: GeneDx Variant Classification (06012015). Collection method: clinical testing. Allele origin: germline. Affected: yes.
Comment: This variant is considered likely benign or benign based on one or more of the following criteria: it is a conservative change, it occurs at a poorly conserved position in the protein, it is predicted to be benign by multiple in silico algorithms, and/or has population frequency not consistent with disease.

NM_001258392.3(CLPB):c.1561-18_1561-12del

Gene: CLPB (ClpB family mitochondrial disaggregase; minus strand). Cytogenetic location: 11q13.4.
Variant type: Deletion.
Coding change: c.1561-18_1561-12del on transcript NM_001258392.3 (MANE Select); 18 bases into the intron before coding-DNA position 1561 through 12 bases into the intron before coding-DNA position 1561, 7 bases deleted (CCTAACC; older notation c.1561-18_1561-12delCCTAACC).
Molecular consequence: intron variant.
Genome position (GRCh38, 1-based): chr11:72,294,456-72,294,462, GGTTAGG deleted on the plus strand (CCTAACC on the coding strand, the reverse complement: CLPB is on the minus strand); deleting any 7 consecutive bases within chr11:72,294,456-72,294,465 gives the same sequence; the c. name uses the placement nearest the transcript's 3' end. VCF-style (leftmost placement, unchanged base first): chr11-72294455-AGGTTAGG-A. GRCh37 (hg19) VCF-style: chr11-72005499-AGGTTAGG-A.
Other names: c.1474-18_1474-12del (NM_001258393.3); c.1651-18_1651-12del (NM_030813.6); c.1516-18_1516-12del (NM_001258394.3); c.1651-18_1651-12delCCTAACC (NM_030813.5).
Identifiers: ClinVar variation 514916 (VCV000514916.6), dbSNP rs1166987571, ClinGen allele CA658797707.